The following is an entry in ClinVar:

ClinVar aggregate classification (germline): Uncertain significance (1 of 4 stars; one submission).

Submission:

Women's Health and Genetics/Laboratory Corporation of America, LabCorp
Classification: Uncertain significance. Last evaluated: 2025-09-03. Review status: criteria provided, single submitter. Criteria: LabCorp Variant Classification Summary - May 2015. Collection method: clinical testing. Allele origin: germline.
Comment: Variant summary: STK11 c.548T>C (p.Leu183Pro) results in a non-conservative amino acid change in the encoded protein sequence. Algorithms developed to predict the effect of missense changes on protein structure and function all suggest that this variant is likely to be disruptive. The frequency data for this variant in gnomAD is considered unreliable, as metrics indicate poor data quality at this position. To our knowledge, no occurrence of c.548T>C in individuals affected with STK11-related conditions and no experimental evidence demonstrating its impact on protein function have been reported. No submitters have cited clinical-significance assessments for this variant to ClinVar. Based on the evidence outlined above, the variant was classified as uncertain significance.

NM_000455.5(STK11):c.548T>C (p.Leu183Pro)

Gene: STK11 (serine/threonine kinase 11; plus strand). Cytogenetic location: 19p13.3.
Variant type: single nucleotide variant.
Coding change: c.548T>C on transcript NM_000455.5 (MANE Select); coding-DNA position 548, T replaced by C.
Protein change: p.Leu183Pro; replaces leucine 183 with proline.
Molecular consequence: missense variant. On other transcripts: non-coding transcript variant (1).
Genome position (GRCh38, 1-based): chr19:1,220,456, T>C. VCF-style: chr19-1220456-T-C. GRCh37 (hg19) VCF-style: chr19-1220455-T-C.
Other names: c.548T>C, p.Leu183Pro (NM_001407255.1); short protein forms L183P.
Identifiers: ClinVar variation 4535853 (VCV004535853.1).